The following is an entry in ClinVar:

NM_004370.6(COL12A1):c.5224C>T (p.Arg1742Cys)

Gene: COL12A1 (collagen type XII alpha 1 chain; minus strand). Cytogenetic location: 6q13.
Variant type: single nucleotide variant.
Coding change: c.5224C>T on transcript NM_004370.6 (MANE Select); coding-DNA position 5224, C replaced by T.
Protein change: p.Arg1742Cys; replaces arginine 1742 with cysteine.
Molecular consequence: missense variant.
Genome position (GRCh38, 1-based): chr6:75,138,454, G>A on the plus strand (C>T on the coding strand, the complement: COL12A1 is on the minus strand). VCF-style: chr6-75138454-G-A. GRCh37 (hg19) VCF-style: chr6-75848170-G-A.
Other names: c.1732C>T, p.Arg578Cys (NM_080645.3); short protein forms R1742C, R578C.
Identifiers: ClinVar variation 426164 (VCV000426164.48), dbSNP rs530680231, ClinGen allele CA3893225.

ClinVar aggregate classification (germline): Conflicting classifications of pathogenicity. Review status: criteria provided, conflicting classifications (1 of 4 stars). 6 submissions from 6 submitters: Uncertain significance (5); Likely benign (1). Last evaluated 2025-10-17.

Conditions:
Ullrich congenital muscular dystrophy 2 (UCMD2). Identifiers: Orphanet 75840, MedGen C4225314, MONDO:0014654, OMIM 616470.
Bethlem myopathy 2 (BTHLM2). Identifiers: Orphanet 536516, Orphanet 610, MedGen C4225313, MONDO:0034022, OMIM 616471.

Allele frequency attached by ClinVar (database versions not stated): gnomAD 0.00010; 1000 Genomes Project 30x 0.00031; 1000 Genomes Project 0.00040; TOPMed 0.00004.

Submissions (6):

Labcorp Genetics (formerly Invitae), Labcorp
Classification: Likely benign for Bethlem myopathy 2; Ullrich congenital muscular dystrophy 2. Last evaluated: 2025-10-17. Review status: criteria provided, single submitter. Criteria: Invitae Variant Classification Sherloc (09022015). Collection method: clinical testing. Allele origin: germline.

Women's Health and Genetics/Laboratory Corporation of America, LabCorp
Classification: Uncertain significance. Last evaluated: 2025-10-09. Review status: criteria provided, single submitter. Criteria: LabCorp Variant Classification Summary - May 2015. Collection method: clinical testing. Allele origin: germline.
Comment: Variant summary: COL12A1 c.5224C>T (p.Arg1742Cys) results in a non-conservative amino acid change located in the Fibronectin type-III domain profile (IPR003961) of the encoded protein sequence. Algorithms developed to predict the effect of missense changes on protein structure and function all suggest that this variant is likely to be disruptive. The variant allele was found at a frequency of 0.00018 in 248100 control chromosomes. This frequency is not significantly higher than estimated for disease-causing variants in COL12A1, allowing no conclusion about variant significance. To our knowledge, no occurrence of c.5224C>T in individuals affected with COL12A1-related conditions and no experimental evidence demonstrating its impact on protein function have been reported. ClinVar contains an entry for this variant (Variation ID: 426164). Based on the evidence outlined above, the variant was classified as uncertain significance.

Blueprint Genetics
Classification: Uncertain significance. Last evaluated: 2024-11-08. Review status: criteria provided, single submitter. Criteria: ACMG Guidelines, 2015. Collection method: clinical testing. Allele origin: germline.

CeGaT Center for Human Genetics Tuebingen
Classification: Uncertain significance. Last evaluated: 2024-07-01. Review status: criteria provided, single submitter. Criteria: CeGaT Center For Human Genetics Tuebingen Variant Classification Criteria Version 2. Collection method: clinical testing. Allele origin: germline. Affected: yes. Observed: 2 variant alleles.
Comment: COL12A1: PP3

Revvity Omics, Revvity
Classification: Uncertain significance. Last evaluated: 2023-02-09. Review status: criteria provided, single submitter. Criteria: ACMG Guidelines, 2015. Collection method: clinical testing. Allele origin: germline.

GeneDx
Classification: Uncertain significance. Last evaluated: 2021-08-16. Review status: criteria provided, single submitter. Criteria: GeneDx Variant Classification Process June 2021. Collection method: clinical testing. Allele origin: germline. Affected: yes.
Comment: Has not been previously published as pathogenic or benign to our knowledge; At the protein level, in silico analysis supports that this missense variant has a deleterious effect on protein structure/function; At the mRNA level, in silico analysis, which includes splice predictors and evolutionary conservation, suggests this variant may impact gene splicing. In the absence of RNA/functional studies, the actual effect of this sequence change is unknown.; This variant is associated with the following publications: (PMID: 26582918)